The following is an entry in ClinVar:

NM_004119.3(FLT3):c.1073A>T (p.Asp358Val)

Gene: FLT3 (fms related receptor tyrosine kinase 3; minus strand). Cytogenetic location: 13q12.2.
Variant type: single nucleotide variant.
Coding change: c.1073A>T on transcript NM_004119.3 (MANE Select); coding-DNA position 1073, A replaced by T.
Protein change: p.Asp358Val; replaces aspartic acid 358 with valine.
Molecular consequence: missense variant. On other transcripts: non-coding transcript variant (1).
Genome position (GRCh38, 1-based): chr13:28,048,407, T>A on the plus strand (A>T on the coding strand, the complement: FLT3 is on the minus strand). VCF-style: chr13-28048407-T-A. GRCh37 (hg19) VCF-style: chr13-28622544-T-A.
Other names: short protein forms D358V.
Identifiers: ClinVar variation 134452 (VCV000134452.5), dbSNP rs34172843, ClinGen allele CA159861.

ClinVar aggregate classification (germline): Benign. Review status: criteria provided, single submitter (1 of 4 stars). 2 submissions from 2 submitters: Benign (1). 1 of the submissions does not count toward it. Last evaluated 2019-12-31.

Allele frequency attached by ClinVar (database versions not stated): ESP Exome Variant Server 0.00008; gnomAD 0.00053 and 0.00084; TOPMed 0.00125; ExAC 0.00181; 1000 Genomes Project 30x 0.00437; 1000 Genomes Project 0.00499.
gnomAD v4.1: 1,008 of 1,610,464 alleles (0.063%); highest among the groups gnomAD compares: East Asian, 1.7%; 12 homozygotes.

Submissions (2):

Labcorp Genetics (formerly Invitae), Labcorp
Classification: Benign. Last evaluated: 2019-12-31. Review status: criteria provided, single submitter. Criteria: Invitae Variant Classification Sherloc (09022015). Collection method: clinical testing. Allele origin: germline.

ITMI
No classification provided. Condition: AllHighlyPenetrant. Last evaluated: 2013-09-19. Review status: no classification provided. Collection method: reference population. Allele origin: germline. Not counted in ClinVar's aggregate classification.
Comment: Please see associated publication for description of ethnicities

Literature cited by the submitters: PubMed 24728327 (cited by ITMI).